The following is an entry in ClinVar:

ClinVar aggregate classification (germline): Pathogenic (1 of 4 stars; one submission).

Conditions:
Hereditary factor XI deficiency disease. Also called: PLASMA THROMBOPLASTIN ANTECEDENT DEFICIENCY; PTA DEFICIENCY; ROSENTHAL SYNDROME; Congenital factor XI deficiency. Identifiers: Orphanet 329, MedGen C0015523, MeSH D005173, MONDO:0012897, OMIM 612416.

Submission:

Myriad Genetics, Inc.
Classification: Pathogenic for Hereditary factor XI deficiency disease. Last evaluated: 2026-04-19. Review status: criteria provided, single submitter. Criteria: Myriad Autosomal Dominant, Autosomal Recessive and X-Linked Classification Criteria (2023). Collection method: clinical testing. Allele origin: unknown.
Comment: NM_000128.3(F11):c.1508_1512del5(S503Wfs*3) is expected to be pathogenic in the context of factor XI deficiency. This variant is predicted to lead to an abnormal or absent protein product due to the creation of a premature termination codon in F11, a gene where loss-of-function variants are known to be pathogenic. Please note: this variant was assessed in the context of healthy population screening.

NM_000128.4(F11):c.1508_1512del (p.Ser503fs)

Genes: F11 (coagulation factor XI; plus strand), F11-AS1 (F11 antisense RNA 1; minus strand). Cytogenetic location: 4q35.2.
Variant type: Deletion.
Coding change: c.1508_1512del on transcript NM_000128.4 (MANE Select); coding-DNA positions 1508 to 1512, 5 bases deleted (CCAAA; older notation c.1508_1512delCCAAA).
Protein change: p.Ser503fs; shifts the reading frame from serine 503.
Molecular consequence: frameshift variant. On other transcripts: intron variant (4).
Genome position (GRCh38, 1-based): chr4:186,286,442-186,286,446, CCAAA deleted. VCF-style (leftmost placement, unchanged base first): chr4-186286441-TCCAAA-T. GRCh37 (hg19) VCF-style: chr4-187207595-TCCAAA-T.
Other names: c.1460_1464del, p.Ser487fs (NM_001440590.1); c.1238_1242del, p.Ser413fs (NM_001440605.1); c.1190_1194del, p.Ser397fs (NM_001440606.1); c.1480+629_1480+633del (NM_001440593.1); c.1432+629_1432+633del (NM_001440596.1); c.1210+629_1210+633del (NM_001440607.1); c.1162+629_1162+633del (NM_001440608.1); short protein forms S397fs, S413fs, S487fs, S503fs.
Identifiers: ClinVar variation 5015813 (VCV005015813.1).